The following is an entry in ClinVar:

ClinVar aggregate classification (germline): Conflicting classifications of pathogenicity. Review status: criteria provided, conflicting classifications (1 of 4 stars). 2 submissions from 2 submitters: Uncertain significance (1); Likely benign (1). Last evaluated 2023-08-16.

Conditions:
Hereditary cancer-predisposing syndrome. Also called: Hereditary neoplastic syndrome; Neoplastic Syndromes, Hereditary; Tumor predisposition; Hereditary Cancer Syndrome. Identifiers: Orphanet 140162, MedGen C0027672, MeSH D009386, MONDO:0015356.

Allele frequency attached by ClinVar (database versions not stated): TOPMed below 0.00001.

Submissions (2):

Labcorp Genetics (formerly Invitae), Labcorp
Classification: Uncertain significance. Last evaluated: 2023-08-16. Review status: criteria provided, single submitter. Criteria: Invitae Variant Classification Sherloc (09022015). Collection method: clinical testing. Allele origin: germline.
Comment: ClinVar contains an entry for this variant (Variation ID: 939810). Algorithms developed to predict the effect of missense changes on protein structure and function output the following: SIFT: "Not Available"; PolyPhen-2: "Benign"; Align-GVGD: "Not Available". The lysine amino acid residue is found in multiple mammalian species, which suggests that this missense change does not adversely affect protein function. RNA analysis performed to evaluate the impact of this missense change on mRNA splicing indicates it does not significantly alter splicing (Invitae). In summary, the available evidence is currently insufficient to determine the role of this variant in disease. Therefore, it has been classified as a Variant of Uncertain Significance. This variant has not been reported in the literature in individuals affected with MSH3-related conditions. This sequence change replaces arginine, which is basic and polar, with lysine, which is basic and polar, at codon 379 of the MSH3 protein (p.Arg379Lys). This variant is not present in population databases (gnomAD no frequency).

Ambry Genetics
Classification: Likely benign for Hereditary cancer-predisposing syndrome. Last evaluated: 2022-09-24. Review status: criteria provided, single submitter. Criteria: Ambry Variant Classification Scheme 2023. Collection method: clinical testing. Allele origin: germline.

NM_002439.5(MSH3):c.1136G>A (p.Arg379Lys)

Gene: MSH3 (mutS homolog 3; plus strand). Cytogenetic location: 5q14.1.
Variant type: single nucleotide variant.
Coding change: c.1136G>A on transcript NM_002439.5 (MANE Select); coding-DNA position 1136, G replaced by A.
Protein change: p.Arg379Lys; replaces arginine 379 with lysine.
Molecular consequence: missense variant.
Genome position (GRCh38, 1-based): chr5:80,675,091, G>A. VCF-style: chr5-80675091-G-A. GRCh37 (hg19) VCF-style: chr5-79970910-G-A.
Other names: short protein forms R379K.
Identifiers: ClinVar variation 939810 (VCV000939810.12), dbSNP rs1362873316, ClinGen allele CA360268229.
Genomic context (GRCh38, chr5:80,675,091, plus strand): 5'-TAATGACTGATACTTCTACCAGCTATCTTCTGTGCATCTCTGAAAATAAGGAAAATGTTA[G>A]GGACAAAAAAAAGGGCAACATTTTTATTGGCATTGTGGTAAGTACTTTGCAGGTGAGGAA-3'
Protein context (NP_002430.3, residues 369-389): LCISENKENV[Arg379Lys]DKKKGNIFIG